The following is an entry in ClinVar:

ClinVar aggregate classification (germline): Uncertain significance (1 of 4 stars; one submission).

Conditions:
Wiskott-Aldrich syndrome (WAS). Also called: ALDRICH SYNDROME; IMMUNODEFICIENCY 2; Wiskott-aldrich syndrome, somatic; WISKOTT-ALDRICH SYNDROME 1. Identifiers: Orphanet 906, MedGen C0043194, MONDO:0010518, OMIM 301000.
X-linked severe congenital neutropenia (SCNX). Identifiers: Orphanet 86788, MedGen C1845987, MONDO:0010294, OMIM 300299.
Thrombocytopenia 1. Also called: THROMBOCYTOPENIA, X-LINKED, 1; X-linked thrombocytopenia with normal platelets; X-Linked Thrombocytopenia (XLT). Identifiers: Orphanet 268322, Orphanet 852, MedGen C1839163, MONDO:0010743, OMIM 313900.

Submission:

Labcorp Genetics (formerly Invitae), Labcorp
Classification: Uncertain significance for Wiskott-Aldrich syndrome; X-linked severe congenital neutropenia; Thrombocytopenia 1. Last evaluated: 2018-06-06. Review status: criteria provided, single submitter. Criteria: Invitae Variant Classification Sherloc (09022015). Collection method: clinical testing. Allele origin: germline.
Comment: This variant is not present in population databases (ExAC no frequency). This sequence change replaces proline with arginine at codon 189 of the WAS protein (p.Pro189Arg). The proline residue is weakly conserved and there is a moderate physicochemical difference between proline and arginine. This variant has not been reported in the literature in individuals with WAS-related disease. In summary, the available evidence is currently insufficient to determine the role of this variant in disease. Therefore, it has been classified as a Variant of Uncertain Significance. Algorithms developed to predict the effect of missense changes on protein structure and function (SIFT, PolyPhen-2, Align-GVGD) all suggest that this variant is likely to be tolerated, but these predictions have not been confirmed by published functional studies and their clinical significance is uncertain.

NM_000377.3(WAS):c.565_566delinsAG (p.Pro189Arg)

Gene: WAS (WASP actin nucleation promoting factor; plus strand). Cytogenetic location: Xp11.23.
Variant type: Indel.
Coding change: c.565_566delinsAG on transcript NM_000377.3 (MANE Select); coding-DNA positions 565 to 566, CC replaced by AG.
Protein change: p.Pro189Arg; replaces proline 189 with arginine.
Molecular consequence: missense variant.
Genome position (GRCh38, 1-based): chrX:48,686,786-48,686,787, CC replaced by AG. VCF-style: chrX-48686786-CC-AG. GRCh37 (hg19) VCF-style: chrX-48545175-CC-AG.
Other names: c.565_566delCCinsAG (NM_000377.2); short protein forms P189R.
Identifiers: ClinVar variation 566949 (VCV000566949.7), dbSNP rs1569493862, ClinGen allele CA891844001.